The following is an entry in ClinVar:

NM_006231.4(POLE):c.1636G>T (p.Ala546Ser)

Gene: POLE (DNA polymerase epsilon, catalytic subunit; minus strand). Cytogenetic location: 12q24.33.
Variant type: single nucleotide variant.
Coding change: c.1636G>T on transcript NM_006231.4 (MANE Select); coding-DNA position 1636, G replaced by T.
Protein change: p.Ala546Ser; replaces alanine 546 with serine.
Molecular consequence: missense variant.
Genome position (GRCh38, 1-based): chr12:132,672,677, C>A on the plus strand (G>T on the coding strand, the complement: POLE is on the minus strand). VCF-style: chr12-132672677-C-A. GRCh37 (hg19) VCF-style: chr12-133249263-C-A.
Other names: short protein forms A546S.
Identifiers: ClinVar variation 4841510 (VCV004841510.1).

ClinVar aggregate classification (germline): Uncertain significance (1 of 4 stars; one submission).

Conditions:
Hereditary cancer-predisposing syndrome. Also called: Neoplastic Syndromes, Hereditary; Tumor predisposition; Hereditary Cancer Syndrome; Hereditary neoplastic syndrome. Identifiers: Orphanet 140162, MedGen C0027672, MeSH D009386, MONDO:0015356.

Submission:

Ambry Genetics
Classification: Uncertain significance for Hereditary cancer-predisposing syndrome. Last evaluated: 2026-01-11. Review status: criteria provided, single submitter. Criteria: Ambry Variant Classification Scheme 2023. Collection method: clinical testing. Allele origin: germline.
Comment: The p.A546S variant (also known as c.1636G>T), located in coding exon 15 of the POLE gene, results from a G to T substitution at nucleotide position 1636. The alanine at codon 546 is replaced by serine, an amino acid with similar properties. This amino acid position is conserved. In addition, the in silico prediction for this alteration is inconclusive. Based on the available evidence, the clinical significance of this variant remains unclear.